The following is an entry in ClinVar:

NM_000548.5(TSC2):c.2052G>A (p.Val684=)

Gene: TSC2 (TSC complex subunit 2; plus strand). Cytogenetic location: 16p13.3.
Variant type: single nucleotide variant.
Coding change: c.2052G>A on transcript NM_000548.5 (MANE Select); coding-DNA position 2052, G replaced by A.
Protein change: p.Val684=; no amino-acid change (valine 684 retained).
Molecular consequence: synonymous variant. On other transcripts: non-coding transcript variant (5).
Genome position (GRCh38, 1-based): chr16:2,071,889, G>A. VCF-style: chr16-2071889-G-A. GRCh37 (hg19) VCF-style: chr16-2121890-G-A.
Other names: c.2052G>A, p.Val684= (NM_001077183.3, NM_001114382.3, NM_001363528.2 and 6 more transcripts); c.1941G>A, p.Val647= (NM_001318827.2, NM_001406670.1, NM_001406678.1); c.1905G>A, p.Val635= (NM_001318829.2, NM_001406675.1, NM_001406676.1 and 1 more transcripts); c.1452G>A, p.Val484= (NM_001318831.2, NM_001406680.1, NM_001406682.1 and 6 more transcripts); c.2085G>A, p.Val695= (NM_001318832.2); c.2142G>A, p.Val714= (NM_001406667.1, NM_001406668.1); c.2040G>A, p.Val680= (NM_001406671.1, NM_001406673.1); c.1995G>A, p.Val665= (NM_001406677.1); and 3 more.
Identifiers: ClinVar variation 3072977 (VCV003072977.1), dbSNP rs2543704731, ClinGen allele CA493042614.

ClinVar aggregate classification (germline): Likely benign (1 of 4 stars; one submission).

Conditions:
Tuberous sclerosis syndrome (TSC). Also called: Tuberous Sclerosis Complex; Tuberous sclerosis. Identifiers: Orphanet 805, MedGen C0041341, MONDO:0001734.

Submission:

All of Us Research Program, National Institutes of Health
Classification: Likely benign for Tuberous sclerosis syndrome. Last evaluated: 2023-08-15. Review status: criteria provided, single submitter. Criteria: ACMG Guidelines, 2015. Collection method: clinical testing. Allele origin: germline. Inheritance: Autosomal dominant inheritance. Observed: 1 variant allele, 1 heterozygote.
Comment: This study involves interpretation of variants in research participants for the purpose of population health screening. Participant phenotype was not available at the time of variant classification. Additional details can be found in publication PMID: 35346344, PMCID: PMC8962531